The following is an entry in ClinVar:

ClinVar aggregate classification (germline): Uncertain significance. Review status: criteria provided, multiple submitters, no conflicts (2 of 4 stars). 3 submissions from 3 submitters: Uncertain significance (3). Last evaluated 2025-11-17.

Conditions:
Inborn genetic diseases. Identifiers: MedGen C0950123, MeSH D030342.

Allele frequency attached by ClinVar (database versions not stated): gnomAD exomes below 0.00001.
gnomAD v4.1: 2 of 1,613,918 alleles (0.00012%); highest among the groups gnomAD compares: Admixed American, 0.0033%; no homozygotes.

Submissions (3):

Labcorp Genetics (formerly Invitae), Labcorp
Classification: Uncertain significance. Last evaluated: 2025-11-17. Review status: criteria provided, single submitter. Criteria: Invitae Variant Classification Sherloc (09022015). Collection method: clinical testing. Allele origin: germline.
Comment: This sequence change replaces isoleucine, which is neutral and non-polar, with asparagine, which is neutral and polar, at codon 654 of the SAMD9 protein (p.Ile654Asn). This variant is present in population databases (no rsID available, gnomAD 0.006%). This variant has not been reported in the literature in individuals affected with SAMD9-related conditions. ClinVar contains an entry for this variant (Variation ID: 1928328). Invitae Evidence Modeling of protein sequence and biophysical properties (such as structural, functional, and spatial information, amino acid conservation, physicochemical variation, residue mobility, and thermodynamic stability) has been performed for this missense variant. However, the output from this modeling did not meet the statistical confidence thresholds required to predict the impact of this variant on SAMD9 protein function. In summary, the available evidence is currently insufficient to determine the role of this variant in disease. Therefore, it has been classified as a Variant of Uncertain Significance.

Ambry Genetics
Classification: Uncertain significance for Inborn genetic diseases. Last evaluated: 2025-01-25. Review status: criteria provided, single submitter. Criteria: Ambry Variant Classification Scheme 2023. Collection method: clinical testing. Allele origin: germline.
Comment: The p.I654N variant (also known as c.1961T>A), located in coding exon 1 of the SAMD9 gene, results from a T to A substitution at nucleotide position 1961. The isoleucine at codon 654 is replaced by asparagine, an amino acid with dissimilar properties. This amino acid position is conserved. In addition, the in silico prediction for this alteration is inconclusive. Based on the available evidence, the clinical significance of this variant remains unclear.

GeneDx
Classification: Uncertain significance. Last evaluated: 2024-01-21. Review status: criteria provided, single submitter. Criteria: GeneDx Variant Classification Process June 2021. Collection method: clinical testing. Allele origin: germline. Affected: yes.
Comment: Not observed at significant frequency in large population cohorts (gnomAD); In silico analysis supports that this missense variant has a deleterious effect on protein structure/function; Has not been previously published as pathogenic or benign to our knowledge

NM_017654.4(SAMD9):c.1961T>A (p.Ile654Asn)

Gene: SAMD9 (sterile alpha motif domain containing 9; minus strand). Cytogenetic location: 7q21.2.
Variant type: single nucleotide variant.
Coding change: c.1961T>A on transcript NM_017654.4 (MANE Select); coding-DNA position 1961, T replaced by A.
Protein change: p.Ile654Asn; replaces isoleucine 654 with asparagine.
Molecular consequence: missense variant.
Genome position (GRCh38, 1-based): chr7:93,104,137, A>T on the plus strand (T>A on the coding strand, the complement: SAMD9 is on the minus strand). VCF-style: chr7-93104137-A-T. GRCh37 (hg19) VCF-style: chr7-92733450-A-T.
Other names: c.1961T>A, p.Ile654Asn (NM_001193307.2); c.1961T>A (NM_017654.3); short protein forms I654N.
Identifiers: ClinVar variation 1928328 (VCV001928328.6), dbSNP rs1313564165, ClinGen allele CA368193945.